The following is an entry in ClinVar:

ClinVar aggregate classification (germline): Likely benign. Review status: criteria provided, multiple submitters, no conflicts (2 of 4 stars). 2 submissions from 2 submitters: Likely benign (2). Last evaluated 2026-04-14.

Conditions:
NBAS-related disorder. Also called: NBAS-related condition.

Allele frequency attached by ClinVar (database versions not stated): gnomAD exomes below 0.00001; ExAC 0.00002; TOPMed 0.00004; ESP Exome Variant Server 0.00008; gnomAD 0.00008.
gnomAD v4.1: 17 of 1,613,860 alleles (0.0011%); highest among the groups gnomAD compares: African/African-American, 0.021%; no homozygotes.

Submissions (2):

PreventionGenetics, part of Exact Sciences
Classification: Likely benign for NBAS-related condition. Last evaluated: 2026-04-14. Review status: criteria provided, single submitter. Criteria: ACMG Guidelines, 2015. Collection method: clinical testing. Allele origin: germline.
Comment: This variant is classified as likely benign based on ACMG/AMP sequence variant interpretation guidelines (Richards et al. 2015 PMID: 25741868, with internal and published modifications).

Labcorp Genetics (formerly Invitae), Labcorp
Classification: Likely benign. Last evaluated: 2025-05-14. Review status: criteria provided, single submitter. Criteria: Invitae Variant Classification Sherloc (09022015). Collection method: clinical testing. Allele origin: germline.

NM_015909.4(NBAS):c.3723G>C (p.Arg1241=)

Gene: NBAS (NBAS subunit of NRZ tethering complex; minus strand). Cytogenetic location: 2p24.3.
Variant type: single nucleotide variant.
Coding change: c.3723G>C on transcript NM_015909.4 (MANE Select); coding-DNA position 3723, G replaced by C.
Protein change: p.Arg1241=; no amino-acid change (arginine 1241 retained).
Molecular consequence: synonymous variant. On other transcripts: non-coding transcript variant (1).
Genome position (GRCh38, 1-based): chr2:15,366,674, C>G on the plus strand (G>C on the coding strand, the complement: NBAS is on the minus strand). VCF-style: chr2-15366674-C-G. GRCh37 (hg19) VCF-style: chr2-15506798-C-G.
Other names: c.3723G>C (NM_015909.3).
Identifiers: ClinVar variation 1919734 (VCV001919734.6), dbSNP rs368885830, ClinGen allele CA1535928.